The following is an entry in ClinVar:

ClinVar aggregate classification (germline): Likely benign. Review status: criteria provided, multiple submitters, no conflicts (2 of 4 stars). 4 submissions from 4 submitters: Likely benign (4). Last evaluated 2025-07-27.

Conditions:
Catecholaminergic polymorphic ventricular tachycardia (CVPT). Also called: Catecholamine-induced polymorphic ventricular tachycardia. Identifiers: Orphanet 3286, MedGen C5574922, MONDO:0017990.
Cardiomyopathy (CMYO). Also called: Cardiomyopathies. Identifiers: Orphanet 167848, MedGen C0878544, MONDO:0004994, HP:0001638. Inheritance: Various modes of inheritance.
Catecholaminergic polymorphic ventricular tachycardia 1. Also called: RYR2-Related Catecholaminergic Polymorphic Ventricular Tachycardia; VENTRICULAR TACHYCARDIA, CATECHOLAMINERGIC POLYMORPHIC, 1, WITH OR WITHOUT ATRIAL DYSFUNCTION AND/OR DILATED CARDIOMYOPATHY; VENTRICULAR TACHYCARDIA, STRESS-INDUCED POLYMORPHIC 1. Identifiers: Orphanet 3286, MedGen C1631597, MONDO:0011484, OMIM 604772.

Allele frequency attached by ClinVar (database versions not stated): gnomAD exomes 0.00002 and 0.00003; ExAC 0.00003; TOPMed 0.00003; gnomAD 0.00004.
gnomAD v4.1: 29 of 1,590,620 alleles (0.0018%); highest among the groups gnomAD compares: East Asian, 0.009%; no homozygotes.

Submissions (4):

Labcorp Genetics (formerly Invitae), Labcorp
Classification: Likely benign for Catecholaminergic polymorphic ventricular tachycardia 1. Last evaluated: 2025-07-27. Review status: criteria provided, single submitter. Criteria: Invitae Variant Classification Sherloc (09022015). Collection method: clinical testing. Allele origin: germline.

All of Us Research Program, National Institutes of Health
Classification: Likely benign for Catecholaminergic polymorphic ventricular tachycardia. Last evaluated: 2023-12-13. Review status: criteria provided, single submitter. Criteria: ACMG Guidelines, 2015. Collection method: clinical testing. Allele origin: germline. Inheritance: Autosomal dominant inheritance. Observed: 3 variant alleles, 3 heterozygotes.
Comment: This study involves interpretation of variants in research participants for the purpose of population health screening. Participant phenotype was not available at the time of variant classification. Additional details can be found in publication PMID: 35346344, PMCID: PMC8962531

Color Diagnostics, LLC DBA Color Health
Classification: Likely benign for Cardiomyopathy. Last evaluated: 2019-12-29. Review status: criteria provided, single submitter. Criteria: ACMG Guidelines, 2015. Collection method: clinical testing. Allele origin: germline.

GeneDx
Classification: Likely benign. Last evaluated: 2019-12-11. Review status: criteria provided, single submitter. Criteria: GeneDx Variant Classification Process June 2021. Collection method: clinical testing. Allele origin: germline. Affected: yes.

NM_001035.3(RYR2):c.464-12G>A

Gene: RYR2 (ryanodine receptor 2; plus strand). Cytogenetic location: 1q43.
Variant type: single nucleotide variant.
Coding change: c.464-12G>A on transcript NM_001035.3 (MANE Select); 12 bases into the intron before coding-DNA position 464, G replaced by A.
Molecular consequence: intron variant.
Genome position (GRCh38, 1-based): chr1:237,377,311, G>A. VCF-style: chr1-237377311-G-A. GRCh37 (hg19) VCF-style: chr1-237540611-G-A.
Other names: c.464-12G>A (LRG_402t1).
Identifiers: ClinVar variation 389545 (VCV000389545.12), dbSNP rs766779504, ClinGen allele CA086672.